The following is an entry in ClinVar:

ClinVar aggregate classification (germline): Benign/Likely benign. Review status: criteria provided, multiple submitters, no conflicts (2 of 4 stars). 2 submissions from 2 submitters: Benign (1); Likely benign (1). Last evaluated 2025-01-01.

Conditions:
TNF receptor-associated periodic fever syndrome (TRAPS) (FPF). Also called: Autosomal Dominant Familial Periodic Fever; TNF Receptor-Associated Periodic Fever Syndrome; FAMILIAL HIBERNIAN FEVER; TNF RECEPTOR-ASSOCIATED PERIODIC SYNDROME; TUMOR NECROSIS FACTOR RECEPTOR-ASSOCIATED PERIODIC SYNDROME; TNF receptor 1-associated periodic fever syndrome. Identifiers: Orphanet 32960, MedGen C1275126, MONDO:0007727, OMIM 142680.

Allele frequency attached by ClinVar (database versions not stated): gnomAD 0.00002 and 0.00003; TOPMed 0.00005; gnomAD exomes 0.00014; 1000 Genomes Project 30x 0.00016; 1000 Genomes Project 0.00020; ExAC 0.00025.
gnomAD v4.1: 71 of 1,611,128 alleles (0.0044%); highest among the groups gnomAD compares: East Asian, 0.15%; 1 homozygote.

Submissions (2):

CeGaT Center for Human Genetics Tuebingen
Classification: Likely benign. Last evaluated: 2025-01-01. Review status: criteria provided, single submitter. Criteria: CeGaT Center For Human Genetics Tuebingen Variant Classification Criteria Version 2. Collection method: clinical testing. Allele origin: germline. Affected: yes. Observed: 2 variant alleles.
Comment: TNFRSF1A: BP4, BP7

Labcorp Genetics (formerly Invitae), Labcorp
Classification: Benign for TNF receptor-associated periodic fever syndrome (TRAPS). Last evaluated: 2022-12-06. Review status: criteria provided, single submitter. Criteria: Invitae Variant Classification Sherloc (09022015). Collection method: clinical testing. Allele origin: germline.

NM_001065.4(TNFRSF1A):c.816C>T (p.Ser272=)

Gene: TNFRSF1A (TNF receptor superfamily member 1A; minus strand). Cytogenetic location: 12p13.31.
Variant type: single nucleotide variant.
Coding change: c.816C>T on transcript NM_001065.4 (MANE Select); coding-DNA position 816, C replaced by T.
Protein change: p.Ser272=; no amino-acid change (serine 272 retained).
Molecular consequence: synonymous variant. On other transcripts: non-coding transcript variant (1).
Genome position (GRCh38, 1-based): chr12:6,330,019, G>A on the plus strand (C>T on the coding strand, the complement: TNFRSF1A is on the minus strand). VCF-style: chr12-6330019-G-A. GRCh37 (hg19) VCF-style: chr12-6439185-G-A.
Other names: c.492C>T, p.Ser164= (NM_001346091.2); c.357C>T, p.Ser119= (NM_001346092.2).
Identifiers: ClinVar variation 757749 (VCV000757749.31), dbSNP rs45562531, ClinGen allele CA6405348.